The following is an entry in ClinVar:

ClinVar aggregate classification (germline): Uncertain significance (1 of 4 stars; one submission).

Conditions:
Brugada syndrome. Also called: Sudden unexpected nocturnal death syndrome; Sudden Unexplained Death Syndrome; Sudden Unexplained Nocturnal Death Syndrome (SUNDS); Sudden unexplained nocturnal death syndrome. Identifiers: Orphanet 130, MedGen C1142166, MONDO:0015263.

Submission:

Labcorp Genetics (formerly Invitae), Labcorp
Classification: Uncertain significance for Brugada syndrome. Last evaluated: 2025-05-06. Review status: criteria provided, single submitter. Criteria: Invitae Variant Classification Sherloc (09022015). Collection method: clinical testing. Allele origin: germline.
Comment: This sequence change replaces valine, which is neutral and non-polar, with isoleucine, which is neutral and non-polar, at codon 63 of the GPD1L protein (p.Val63Ile). This variant is not present in population databases (gnomAD no frequency). This variant has not been reported in the literature in individuals affected with GPD1L-related conditions. Invitae Evidence Modeling of protein sequence and biophysical properties (such as structural, functional, and spatial information, amino acid conservation, physicochemical variation, residue mobility, and thermodynamic stability) indicates that this missense variant is not expected to disrupt GPD1L protein function with a negative predictive value of 80%. In summary, the available evidence is currently insufficient to determine the role of this variant in disease. Therefore, it has been classified as a Variant of Uncertain Significance.

NM_015141.4(GPD1L):c.187G>A (p.Val63Ile)

Gene: GPD1L (glycerol-3-phosphate dehydrogenase 1 like; plus strand). Cytogenetic location: 3p22.3.
Variant type: single nucleotide variant.
Coding change: c.187G>A on transcript NM_015141.4 (MANE Select); coding-DNA position 187, G replaced by A.
Protein change: p.Val63Ile; replaces valine 63 with isoleucine.
Molecular consequence: missense variant.
Genome position (GRCh38, 1-based): chr3:32,128,215, G>A. VCF-style: chr3-32128215-G-A. GRCh37 (hg19) VCF-style: chr3-32169707-G-A.
Other names: short protein forms V63I.
Identifiers: ClinVar variation 4780459 (VCV004780459.1).